The following is an entry in ClinVar:

ClinVar aggregate classification (germline): Likely pathogenic (1 of 4 stars; one submission).

Conditions:
Hereditary breast ovarian cancer syndrome. Also called: Hereditary breast and ovarian cancer syndrome; Hereditary breast and/or ovarian cancer syndrome; Hereditary breast and ovarian cancer syndrome (HBOC); Hereditary breast and ovarian cancer; Breast and ovarian cancer; BRCA1- and BRCA2-Associated Hereditary Breast and Ovarian Cancer. Identifiers: Orphanet 145, MedGen C0677776, MeSH D061325, MONDO:0003582. Disease mechanism: loss of function.

Submission:

Women's Health and Genetics/Laboratory Corporation of America, LabCorp
Classification: Likely pathogenic for Hereditary breast and ovarian cancer syndrome. Last evaluated: 2020-09-30. Review status: criteria provided, single submitter. Criteria: LabCorp Variant Classification Summary - May 2015. Collection method: clinical testing. Allele origin: germline.
Comment: Variant summary: The variant identified by MLPA or other technology involves the deletion of exons 17-21 in the BRCA2 gene. A presumed nomenclature of c.(7805+1_7806-1)_(8754+1_8755-1)del has been designated for the purposes of this classification. Although exact breakpoints of this deletion are not known, it is expected to result in a large in-frame deletion in the BRCA2 gene, a known mechanism of disease. The variant was absent in aaproximately 21000 control choromosomes (gnomAD, Structural Variants dataset). To our knowledge, no occurrence of c.(7805+1_7806-1)_(8754+1_8755-1)del in individuals affected with Hereditary Breast And Ovarian Cancer Syndrome and no experimental evidence demonstrating its impact on protein function have been reported. No clinical diagnostic laboratories have submitted clinical-significance assessments for this variant to ClinVar after 2014. Based on the evidence outlined above, the variant was classified as likely pathogenic.

NC_000013.11:g.(32357930_32362522)_(32376792_32379316)del

Gene: BRCA2 (BRCA2 DNA repair associated; plus strand). Cytogenetic location: 13q13.1.
Variant type: Deletion.
Identifiers: ClinVar variation 982002 (VCV000982002.1).